The following is an entry in ClinVar:

ClinVar aggregate classification (germline): Conflicting classifications of pathogenicity. Review status: criteria provided, conflicting classifications (1 of 4 stars). 3 submissions from 3 submitters: Uncertain significance (2); Likely benign (1). Last evaluated 2025-10-01.

Conditions:
Inborn genetic diseases. Identifiers: MedGen C0950123, MeSH D030342.

Allele frequency attached by ClinVar (database versions not stated): gnomAD exomes 0.00002 and 0.00004; gnomAD 0.00003; ExAC 0.00004; TOPMed 0.00004.
gnomAD v4.1: 19 of 1,613,032 alleles (0.0012%); highest among the groups gnomAD compares: Admixed American, 0.025%; no homozygotes.

Submissions (3):

Labcorp Genetics (formerly Invitae), Labcorp
Classification: Uncertain significance. Last evaluated: 2025-10-01. Review status: criteria provided, single submitter. Criteria: Invitae Variant Classification Sherloc (09022015). Collection method: clinical testing. Allele origin: germline.
Comment: This sequence change replaces isoleucine, which is neutral and non-polar, with valine, which is neutral and non-polar, at codon 53 of the RPS29 protein (p.Ile53Val). This variant is present in population databases (rs780291473, gnomAD 0.03%). This variant has not been reported in the literature in individuals affected with RPS29-related conditions. ClinVar contains an entry for this variant (Variation ID: 1440649). An algorithm developed to predict the effect of missense changes on protein structure and function outputs the following: PolyPhen-2: "Benign". The valine amino acid residue is found in multiple mammalian species, which suggests that this missense change does not adversely affect protein function. In summary, the available evidence is currently insufficient to determine the role of this variant in disease. Therefore, it has been classified as a Variant of Uncertain Significance.

Ambry Genetics
Classification: Uncertain significance for Inborn genetic diseases. Last evaluated: 2024-02-27. Review status: criteria provided, single submitter. Criteria: Ambry Variant Classification Scheme 2023. Collection method: clinical testing. Allele origin: germline.

Blueprint Genetics
Classification: Likely benign. Last evaluated: 2022-07-21. Review status: criteria provided, single submitter. Criteria: ACMG Guidelines, 2015. Collection method: clinical testing. Allele origin: germline.

NM_001032.5(RPS29):c.157A>G (p.Ile53Val)

Gene: RPS29 (ribosomal protein S29; minus strand). Cytogenetic location: 14q21.3.
Variant type: single nucleotide variant.
Coding change: c.157A>G on transcript NM_001032.5 (MANE Select); coding-DNA position 157, A replaced by G.
Protein change: p.Ile53Val; replaces isoleucine 53 with valine.
Molecular consequence: missense variant.
Genome position (GRCh38, 1-based): chr14:49,585,955, T>C on the plus strand (A>G on the coding strand, the complement: RPS29 is on the minus strand). VCF-style: chr14-49585955-T-C. GRCh37 (hg19) VCF-style: chr14-50052673-T-C.
Other names: c.157A>G (NM_001030001.1); c.157A>G, p.Ile53Val (NM_001030001.4); c.148A>G, p.Ile50Val (NM_001351375.2); short protein forms I50V, I53V.
Identifiers: ClinVar variation 1440649 (VCV001440649.10), dbSNP rs780291473, ClinGen allele CA7171896.